The following is an entry in ClinVar:

ClinVar aggregate classification (germline): Uncertain significance (1 of 4 stars; one submission).

Submission:

Labcorp Genetics (formerly Invitae), Labcorp
Classification: Uncertain significance. Last evaluated: 2022-11-01. Review status: criteria provided, single submitter. Criteria: Invitae Variant Classification Sherloc (09022015). Collection method: clinical testing. Allele origin: germline.
Comment: In summary, the available evidence is currently insufficient to determine the role of this variant in disease. Therefore, it has been classified as a Variant of Uncertain Significance. Advanced modeling of protein sequence and biophysical properties (such as structural, functional, and spatial information, amino acid conservation, physicochemical variation, residue mobility, and thermodynamic stability) performed at Invitae indicates that this missense variant is expected to disrupt MYH3 protein function. This variant has not been reported in the literature in individuals affected with MYH3-related conditions. This variant is not present in population databases (gnomAD no frequency). This sequence change replaces leucine, which is neutral and non-polar, with proline, which is neutral and non-polar, at codon 602 of the MYH3 protein (p.Leu602Pro).

NM_002470.4(MYH3):c.1805T>C (p.Leu602Pro)

Gene: MYH3 (myosin heavy chain 3; minus strand). Cytogenetic location: 17p13.1.
Variant type: single nucleotide variant.
Coding change: c.1805T>C on transcript NM_002470.4 (MANE Select); coding-DNA position 1805, T replaced by C.
Protein change: p.Leu602Pro; replaces leucine 602 with proline.
Molecular consequence: missense variant.
Genome position (GRCh38, 1-based): chr17:10,642,500, A>G on the plus strand (T>C on the coding strand, the complement: MYH3 is on the minus strand). VCF-style: chr17-10642500-A-G. GRCh37 (hg19) VCF-style: chr17-10545817-A-G.
Other names: short protein forms L602P.
Identifiers: ClinVar variation 1717617 (VCV001717617.6), dbSNP rs2508611880, ClinGen allele CA398170971.